The following is an entry in ClinVar:

ClinVar aggregate classification (germline): Uncertain significance. Review status: criteria provided, single submitter (1 of 4 stars). 2 submissions from 2 submitters: Uncertain significance (1). 1 of the submissions does not count toward it. Last evaluated 2025-02-11.

Conditions:
Tuberous sclerosis syndrome (TSC). Also called: Tuberous Sclerosis Complex; Tuberous sclerosis. Identifiers: Orphanet 805, MedGen C0041341, MONDO:0001734.

Submissions (2):

Athena Diagnostics
Classification: Uncertain significance. Last evaluated: 2025-02-11. Review status: criteria provided, single submitter. Criteria: Athena Diagnostics Criteria. Collection method: clinical testing. Allele origin: unknown.
Comment: Available data are insufficient to determine the clinical significance of the variant at this time. This variant has not been reported in large, multi-ethnic general populations. Polyphen and MutationTaster predict this amino acid change may be damaging to the protein.

Tuberous sclerosis database (TSC2)
No classification provided. Condition: TSC. Review status: no classification provided. Criteria: Tuberous Sclerosis Database Assertion Criteria 2015. Collection method: curation. Allele origin: germline. Affected: yes. Not counted in ClinVar's aggregate classification.

Literature cited by the submitters: PubMed 17304050 (cited by Athena Diagnostics).

NM_000548.5(TSC2):c.5146G>C (p.Ala1716Pro)

Gene: TSC2 (TSC complex subunit 2; plus strand). Cytogenetic location: 16p13.3.
Variant type: single nucleotide variant.
Coding change: c.5146G>C on transcript NM_000548.5 (MANE Select); coding-DNA position 5146, G replaced by C.
Protein change: p.Ala1716Pro; replaces alanine 1716 with proline.
Molecular consequence: missense variant.
Genome position (GRCh38, 1-based): chr16:2,088,125, G>C. VCF-style: chr16-2088125-G-C. GRCh37 (hg19) VCF-style: chr16-2138126-G-C.
Other names: c.4945G>C, p.Ala1649Pro (NM_001077183.3); c.5077G>C, p.Ala1693Pro (NM_001114382.3); c.4837G>C, p.Ala1613Pro (NM_001318827.2); c.4801G>C, p.Ala1601Pro (NM_001318829.2); c.4414G>C, p.Ala1472Pro (NM_001318831.2); c.4978G>C, p.Ala1660Pro (NM_001318832.2); c.4948G>C, p.Ala1650Pro (NM_001363528.2); c.5014G>C, p.Ala1672Pro (NM_001370404.1); and 1 more; short protein forms A1716P, A1650P, A1672P, A1693P, A1601P, A1649P, A1472P, A1613P.
Identifiers: ClinVar variation 49484 (VCV000049484.3), dbSNP rs45517397, ClinGen allele CA021872.